The following is an entry in ClinVar:

ClinVar aggregate classification (germline): Uncertain significance (1 of 4 stars; one submission).

Conditions:
Progressive familial heart block type IB (PFHB1B). Identifiers: Orphanet 871, MedGen C1970298, MONDO:0011474, OMIM 604559.

gnomAD v4.1: 7 of 1,599,474 alleles (0.00044%); highest among the groups gnomAD compares: African/African-American, 0.0054%; no homozygotes.

Submission:

Labcorp Genetics (formerly Invitae), Labcorp
Classification: Uncertain significance for Progressive familial heart block type IB. Last evaluated: 2024-05-21. Review status: criteria provided, single submitter. Criteria: Invitae Variant Classification Sherloc (09022015). Collection method: clinical testing. Allele origin: germline.
Comment: This sequence change replaces proline, which is neutral and non-polar, with arginine, which is basic and polar, at codon 527 of the TRPM4 protein (p.Pro527Arg). The frequency data for this variant in the population databases is considered unreliable, as metrics indicate poor data quality at this position in the gnomAD database. This variant has not been reported in the literature in individuals affected with TRPM4-related conditions. An algorithm developed to predict the effect of missense changes on protein structure and function (PolyPhen-2) suggests that this variant is likely to be tolerated. In summary, the available evidence is currently insufficient to determine the role of this variant in disease. Therefore, it has been classified as a Variant of Uncertain Significance.

NM_017636.4(TRPM4):c.1580C>G (p.Pro527Arg)

Gene: TRPM4 (transient receptor potential cation channel subfamily M member 4; plus strand). Cytogenetic location: 19q13.33.
Variant type: single nucleotide variant.
Coding change: c.1580C>G on transcript NM_017636.4 (MANE Select); coding-DNA position 1580, C replaced by G.
Protein change: p.Pro527Arg; replaces proline 527 with arginine.
Molecular consequence: missense variant. On other transcripts: intron variant (1).
Genome position (GRCh38, 1-based): chr19:49,182,894, C>G. VCF-style: chr19-49182894-C-G. GRCh37 (hg19) VCF-style: chr19-49686151-C-G.
Other names: c.1580C>G, p.Pro527Arg (NM_001195227.2); c.1235C>G, p.Pro412Arg (NM_001321281.2); c.1058C>G, p.Pro353Arg (NM_001321283.2); c.518C>G, p.Pro173Arg (NM_001321285.2); c.-1+27C>G (NM_001321282.2); short protein forms P527R, P353R, P173R, P412R.
Identifiers: ClinVar variation 3703106 (VCV003703106.2).